The following is an entry in ClinVar:

ClinVar aggregate classification (germline): Pathogenic (1 of 4 stars; one submission).

Conditions:
Charcot-Marie-Tooth disease type 4. Also called: Charcot-Marie-Tooth disease, type IV; Charcot-Marie-Tooth, Type 4. Identifiers: Orphanet 64749, MedGen C4082197, MONDO:0018995.

Submission:

Labcorp Genetics (formerly Invitae), Labcorp
Classification: Pathogenic for Charcot-Marie-Tooth disease type 4. Last evaluated: 2021-07-24. Review status: criteria provided, single submitter. Criteria: Invitae Variant Classification Sherloc (09022015). Collection method: clinical testing. Allele origin: germline.
Comment: For these reasons, this variant has been classified as Pathogenic. This variant disrupts a region of the FIG4 protein in which other variant(s) (p.Ile41Thr) have been determined to be pathogenic (PMID: 17572665, 18556664, 21705420, 23489662, 24878229; Invitae). This suggests that this is a clinically significant region of the protein, and that variants that disrupt it are likely to be disease-causing. This variant has not been reported in the literature in individuals affected with FIG4-related conditions. This variant is not present in population databases (ExAC no frequency). This sequence change affects the initiator methionine of the FIG4 mRNA. The next in-frame methionine is located at codon 78.

Literature cited by the submitters: PubMed 17572665; PubMed 18556664; PubMed 21705420; PubMed 23489662; PubMed 24878229.

NM_014845.6(FIG4):c.1_18del (p.Met1_Ala6del)

Gene: FIG4 (FIG4 phosphoinositide 5-phosphatase; plus strand). Cytogenetic location: 6q21.
Variant type: Deletion.
Coding change: c.1_18del on transcript NM_014845.6 (MANE Select); coding-DNA positions 1 to 18, 18 bases deleted (ATGCCCACGGCCGCCGCC).
Protein change: p.Met1_Ala6del.
Molecular consequence: inframe deletion, initiator codon variant.
Genome position (GRCh38, 1-based): chr6:109,691,436-109,691,453, ATGCCCACGGCCGCCGCC deleted; deleting any 18 consecutive bases within chr6:109,691,427-109,691,453 gives the same sequence; the c. name uses the placement nearest the transcript's 3' end. VCF-style (leftmost placement, unchanged base first): chr6-109691426-TGCCGCCGCCATGCCCACG-T. GRCh37 (hg19) VCF-style: chr6-110012629-TGCCGCCGCCATGCCCACG-T.
Identifiers: ClinVar variation 1431306 (VCV001431306.6), dbSNP rs2128375200, ClinGen allele CA2573140428.